The following is an entry in ClinVar:

NM_001384474.1(LOXHD1):c.2664G>A (p.Gly888=)

Gene: LOXHD1 (lipoxygenase homology PLAT domains 1; minus strand). Cytogenetic location: 18q21.1.
Variant type: single nucleotide variant.
Coding change: c.2664G>A on transcript NM_001384474.1 (MANE Select); coding-DNA position 2664, G replaced by A.
Protein change: p.Gly888=; no amino-acid change (glycine 888 retained).
Molecular consequence: synonymous variant.
Genome position (GRCh38, 1-based): chr18:46,560,480, C>T on the plus strand (G>A on the coding strand, the complement: LOXHD1 is on the minus strand). VCF-style: chr18-46560480-C-T. GRCh37 (hg19) VCF-style: chr18-44140443-C-T.
Other names: c.2664G>A, p.Gly888= (NM_144612.7).
Identifiers: ClinVar variation 515264 (VCV000515264.23), dbSNP rs773487745, ClinGen allele CA8952637.

ClinVar aggregate classification (germline): Likely benign. Review status: criteria provided, multiple submitters, no conflicts (2 of 4 stars). 3 submissions from 3 submitters: Likely benign (3). Last evaluated 2025-01-01.

Allele frequency attached by ClinVar (database versions not stated): gnomAD exomes 0.00002 and 0.00005; TOPMed 0.00011; gnomAD 0.00012 and 0.00013; 1000 Genomes Project 30x 0.00016; ExAC 0.00016.
gnomAD v4.1: 40 of 1,539,932 alleles (0.0026%); highest among the groups gnomAD compares: African/African-American, 0.046%; no homozygotes.

Submissions (3):

CeGaT Center for Human Genetics Tuebingen
Classification: Likely benign. Last evaluated: 2025-01-01. Review status: criteria provided, single submitter. Criteria: CeGaT Center For Human Genetics Tuebingen Variant Classification Criteria Version 2. Collection method: clinical testing. Allele origin: germline. Affected: yes. Observed: 1 variant allele.
Comment: LOXHD1: BP4, BP7

Labcorp Genetics (formerly Invitae), Labcorp
Classification: Likely benign. Last evaluated: 2024-02-29. Review status: criteria provided, single submitter. Criteria: Invitae Variant Classification Sherloc (09022015). Collection method: clinical testing. Allele origin: germline.

GeneDx
Classification: Likely benign. Last evaluated: 2018-02-08. Review status: criteria provided, single submitter. Criteria: GeneDx Variant Classification (06012015). Collection method: clinical testing. Allele origin: germline. Affected: yes.
Comment: This variant is considered likely benign or benign based on one or more of the following criteria: it is a conservative change, it occurs at a poorly conserved position in the protein, it is predicted to be benign by multiple in silico algorithms, and/or has population frequency not consistent with disease.